The following is an entry in ClinVar:

ClinVar aggregate classification (germline): Uncertain significance (1 of 4 stars; one submission).

Conditions:
Early-infantile DEE. Also called: Ohtahara syndrome; Early infantile epileptic encephalopathy with suppression bursts; Early infantile epileptic encephalopathy. Identifiers: Orphanet 1934, MedGen C0393706, MONDO:0800491.

Allele frequency attached by ClinVar (database versions not stated): gnomAD exomes below 0.00001.
gnomAD v4.1: 2 of 1,611,266 alleles (0.00012%); highest among the groups gnomAD compares: Non-Finnish European, 0.00017%; no homozygotes.

Submission:

Labcorp Genetics (formerly Invitae), Labcorp
Classification: Uncertain significance for Early-infantile DEE. Last evaluated: 2019-05-05. Review status: criteria provided, single submitter. Criteria: Invitae Variant Classification Sherloc (09022015). Collection method: clinical testing. Allele origin: germline.
Comment: In summary, the available evidence is currently insufficient to determine the role of this variant in disease. Therefore, it has been classified as a Variant of Uncertain Significance. Algorithms developed to predict the effect of missense changes on protein structure and function (SIFT, PolyPhen-2, Align-GVGD) all suggest that this variant is likely to be tolerated, but these predictions have not been confirmed by published functional studies and their clinical significance is uncertain. This variant has not been reported in the literature in individuals with KCNQ2-related conditions. This variant is not present in population databases (ExAC no frequency). This sequence change replaces proline with serine at codon 420 of the KCNQ2 protein (p.Pro420Ser). The proline residue is weakly conserved and there is a moderate physicochemical difference between proline and serine.

NM_172107.4(KCNQ2):c.1258C>T (p.Pro420Ser)

Gene: KCNQ2 (potassium voltage-gated channel subfamily Q member 2; minus strand). Cytogenetic location: 20q13.33.
Variant type: single nucleotide variant.
Coding change: c.1258C>T on transcript NM_172107.4 (MANE Select); coding-DNA position 1258, C replaced by T.
Protein change: p.Pro420Ser; replaces proline 420 with serine.
Molecular consequence: missense variant. On other transcripts: intron variant (3).
Genome position (GRCh38, 1-based): chr20:63,419,662, G>A on the plus strand (C>T on the coding strand, the complement: KCNQ2 is on the minus strand). VCF-style: chr20-63419662-G-A. GRCh37 (hg19) VCF-style: chr20-62051015-G-A.
Other names: c.1217+4515C>T (NM_004518.6); c.1247+4515C>T (NM_172108.5, NM_172106.3); short protein forms P420S.
Identifiers: ClinVar variation 837816 (VCV000837816.10), dbSNP rs2080406431, ClinGen allele CA409648552.